The following is an entry in ClinVar:

ClinVar aggregate classification (germline): Pathogenic (1 of 4 stars; one submission).

Conditions:
Cardiovascular phenotype. Identifiers: MedGen CN230736.
Hereditary cancer-predisposing syndrome. Also called: Neoplastic Syndromes, Hereditary; Tumor predisposition; Hereditary neoplastic syndrome; Hereditary Cancer Syndrome. Identifiers: Orphanet 140162, MedGen C0027672, MeSH D009386, MONDO:0015356.

Submission:

Ambry Genetics
Classification: Pathogenic for Cardiovascular phenotype; Hereditary cancer-predisposing syndrome. Last evaluated: 2026-07-16. Review status: criteria provided, single submitter. Criteria: Ambry Variant Classification Scheme 2023. Collection method: clinical testing. Allele origin: germline.
Comment: The c.3635delT pathogenic mutation, located in coding exon 27 of the NF1 gene, results from a deletion of one nucleotide at nucleotide position 3635, causing a translational frameshift with a predicted alternate stop codon (p.V1212Afs*3). This variant is considered to be rare based on population cohorts in the Genome Aggregation Database (gnomAD). This alteration is expected to result in loss of function by premature protein truncation or nonsense-mediated mRNA decay. As such, this alteration is interpreted as a disease-causing mutation.

NM_001042492.3(NF1):c.3635del (p.Val1212fs)

Gene: NF1 (neurofibromin 1; plus strand). Cytogenetic location: 17q11.2.
Variant type: Deletion.
Coding change: c.3635del on transcript NM_001042492.3 (MANE Select); coding-DNA position 3635, one base deleted (T; older notation c.3635delT).
Protein change: p.Val1212fs; shifts the reading frame from valine 1212.
Molecular consequence: frameshift variant.
Genome position (GRCh38, 1-based): chr17:31,233,140, T deleted. VCF-style (leftmost placement, unchanged base first): chr17-31233139-GT-G. GRCh37 (hg19) VCF-style: chr17-29560157-GT-G.
Other names: c.3635del, p.Val1212fs (NM_000267.4); short protein forms V1212fs.
Identifiers: ClinVar variation 5025560 (VCV005025560.1).
Genomic context (GRCh38, chr17:31,233,139, plus strand): 5'-GAATTTGACACACTTGCAGAAACAGTATTGGCTGATCGGTTTGAGAGATTGGTGGAACTG[GT>G]CACAATGATGGGTGATCAAGGAGAACTCCCTATAGCGATGGCTCTGGCCAATGTGGTTCC-3'